The following is an entry in ClinVar:

NM_004260.4(RECQL4):c.877G>A (p.Ala293Thr)

Gene: RECQL4 (RecQ like helicase 4; minus strand). Cytogenetic location: 8q24.3.
Variant type: single nucleotide variant.
Coding change: c.877G>A on transcript NM_004260.4 (MANE Select); coding-DNA position 877, G replaced by A.
Protein change: p.Ala293Thr; replaces alanine 293 with threonine.
Molecular consequence: missense variant.
Genome position (GRCh38, 1-based): chr8:144,516,242, C>T on the plus strand (G>A on the coding strand, the complement: RECQL4 is on the minus strand). VCF-style: chr8-144516242-C-T. GRCh37 (hg19) VCF-style: chr8-145741626-C-T.
Other names: c.877G>A, p.Ala293Thr (NM_001413017.1, NM_001413018.1, NM_001413019.1 and 4 more transcripts); c.-195G>A (NM_001413021.1, NM_001413022.1, NM_001413023.1 and 7 more transcripts); c.748G>A, p.Ala250Thr (NM_001413025.1); c.-257G>A (NM_001413027.1, NM_001413030.1, NM_001413031.1 and 2 more transcripts); c.526G>A, p.Ala176Thr (NM_001413029.1); c.-99G>A (NM_001413034.1); c.-464G>A (NM_001413043.1); short protein forms A293T, A176T, A250T.
Identifiers: ClinVar variation 2191785 (VCV002191785.4), dbSNP rs1814951208, ClinGen allele CA372688841.

ClinVar aggregate classification (germline): Uncertain significance (1 of 4 stars; one submission).

Conditions:
Baller-Gerold syndrome (BGS). Also called: CRANIOSYNOSTOSIS WITH RADIAL DEFECTS. Identifiers: Orphanet 1225, MedGen C0265308, MONDO:0009039, OMIM 218600.

Submission:

Labcorp Genetics (formerly Invitae), Labcorp
Classification: Uncertain significance for Baller-Gerold syndrome. Last evaluated: 2022-09-20. Review status: criteria provided, single submitter. Criteria: Invitae Variant Classification Sherloc (09022015). Collection method: clinical testing. Allele origin: germline.
Comment: This variant is not present in population databases (gnomAD no frequency). In summary, the available evidence is currently insufficient to determine the role of this variant in disease. Therefore, it has been classified as a Variant of Uncertain Significance. Experimental studies and prediction algorithms are not available or were not evaluated, and the functional significance of this variant is currently unknown. This variant has not been reported in the literature in individuals affected with RECQL4-related conditions. This sequence change replaces alanine, which is neutral and non-polar, with threonine, which is neutral and polar, at codon 293 of the RECQL4 protein (p.Ala293Thr).